The following is an entry in ClinVar:

NM_001369.3(DNAH5):c.10021C>G (p.Leu3341Val)

Gene: DNAH5 (dynein axonemal heavy chain 5; minus strand). Cytogenetic location: 5p15.2.
Variant type: single nucleotide variant.
Coding change: c.10021C>G on transcript NM_001369.3 (MANE Select); coding-DNA position 10021, C replaced by G.
Protein change: p.Leu3341Val; replaces leucine 3341 with valine.
Molecular consequence: missense variant.
Genome position (GRCh38, 1-based): chr5:13,766,056, G>C on the plus strand (C>G on the coding strand, the complement: DNAH5 is on the minus strand). VCF-style: chr5-13766056-G-C. GRCh37 (hg19) VCF-style: chr5-13766165-G-C.
Other names: short protein forms L3341V.
Identifiers: ClinVar variation 454724 (VCV000454724.10), dbSNP rs751746139, ClinGen allele CA3202353.

ClinVar aggregate classification (germline): Uncertain significance. Review status: criteria provided, multiple submitters, no conflicts (2 of 4 stars). 4 submissions from 4 submitters: Uncertain significance (3). 1 of the submissions does not count toward it. Last evaluated 2021-08-31.

Conditions:
Primary ciliary dyskinesia 3. Identifiers: Orphanet 244, MedGen C1837618, MONDO:0012085, OMIM 608644.
Primary ciliary dyskinesia. Also called: Ciliary dyskinesia. Identifiers: Orphanet 244, MedGen C0008780, MONDO:0016575, HP:0012265.

Allele frequency attached by ClinVar (database versions not stated): gnomAD 0.00001; gnomAD exomes 0.00001 and 0.00003; TOPMed 0.00001; ExAC 0.00002.
gnomAD v4.1: 39 of 1,614,040 alleles (0.0024%); highest among the groups gnomAD compares: Non-Finnish European, 0.0033%; no homozygotes.

Submissions (4):

Labcorp Genetics (formerly Invitae), Labcorp
Classification: Uncertain significance for Primary ciliary dyskinesia. Last evaluated: 2021-08-31. Review status: criteria provided, single submitter. Criteria: Invitae Variant Classification Sherloc (09022015). Collection method: clinical testing. Allele origin: germline.
Comment: This sequence change replaces leucine with valine at codon 3341 of the DNAH5 protein (p.Leu3341Val). The leucine residue is weakly conserved and there is a small physicochemical difference between leucine and valine. This variant is present in population databases (rs751746139, ExAC 0.003%). This variant has not been reported in the literature in individuals affected with DNAH5-related conditions. ClinVar contains an entry for this variant (Variation ID: 454724). Advanced modeling of protein sequence and biophysical properties (such as structural, functional, and spatial information, amino acid conservation, physicochemical variation, residue mobility, and thermodynamic stability) performed at Invitae indicates that this missense variant is not expected to disrupt DNAH5 protein function. In summary, the available evidence is currently insufficient to determine the role of this variant in disease. Therefore, it has been classified as a Variant of Uncertain Significance.

Center for Personalized Medicine, Children's Hospital Los Angeles
Classification: Uncertain significance. Last evaluated: 2018-11-19. Review status: criteria provided, single submitter. Criteria: ACMG Guidelines, 2015. Collection method: clinical testing. Allele origin: germline. Affected: yes.

Illumina Laboratory Services, Illumina
Classification: Uncertain significance for Primary ciliary dyskinesia 3. Last evaluated: 2018-01-12. Review status: criteria provided, single submitter. Criteria: ICSL Variant Classification Criteria 13 December 2019. Collection method: clinical testing. Allele origin: germline.

Natera, Inc.
Classification: Uncertain significance for Primary ciliary dyskinesia. Last evaluated: 2020-09-16. Review status: no assertion criteria provided. Collection method: clinical testing. Allele origin: germline. Not counted in ClinVar's aggregate classification.